The following is an entry in ClinVar:

NM_000399.5(EGR2):c.1086A>C (p.Arg362=)

Gene: EGR2 (early growth response 2; minus strand). Cytogenetic location: 10q21.3.
Variant type: single nucleotide variant.
Coding change: c.1086A>C on transcript NM_000399.5 (MANE Select); coding-DNA position 1086, A replaced by C.
Protein change: p.Arg362=; no amino-acid change (arginine 362 retained).
Molecular consequence: synonymous variant.
Genome position (GRCh38, 1-based): chr10:62,813,552, T>G on the plus strand (A>C on the coding strand, the complement: EGR2 is on the minus strand). VCF-style: chr10-62813552-T-G. GRCh37 (hg19) VCF-style: chr10-64573312-T-G.
Other names: p.Arg362=; c.1086A>C, p.Arg362= (NM_001136177.3, NM_001136178.2); c.936A>C, p.Arg312= (NM_001136179.3, NM_001321037.2).
Identifiers: ClinVar variation 256013 (VCV000256013.27), dbSNP rs45602133, ClinGen allele CA5517174.

ClinVar aggregate classification (germline): Benign. Review status: criteria provided, multiple submitters, no conflicts (2 of 4 stars). 10 submissions from 10 submitters: Benign (8). 2 of the submissions do not count toward it. Last evaluated 2026-02-01.

Conditions:
Charcot-Marie-Tooth disease type 1D. Also called: CHARCOT-MARIE-TOOTH NEUROPATHY, TYPE 1D; HEREDITARY MOTOR AND SENSORY NEUROPATHY 1D; HMSN ID; Charcot-Marie-Tooth disease, demyelinating, type 1d. Identifiers: Orphanet 101084, MedGen C1843247, MONDO:0011890, OMIM 607678.
Charcot-Marie-Tooth disease. Also called: Charcot-Marie-Tooth Hereditary Neuropathy; Charcot-Marie-Tooth Neuropathy. Identifiers: Orphanet 166, MedGen C0007959, MONDO:0015626.
Charcot-Marie-Tooth disease, type I (CMT1). Also called: Charcot-Marie-Tooth, Type 1; Charcot-Marie-Tooth disease type 1. Identifiers: Orphanet 65753, MedGen C0751036, MONDO:0019011.

Allele frequency attached by ClinVar (database versions not stated): gnomAD exomes 0.02597 and 0.04041; ESP Exome Variant Server 0.03814; ExAC 0.04009; gnomAD 0.04462 and 0.04642; TOPMed 0.04756; 1000 Genomes Project 30x 0.07495; 1000 Genomes Project 0.07688.

Submissions (10):

Labcorp Genetics (formerly Invitae), Labcorp
Classification: Benign for Charcot-Marie-Tooth disease, type I. Last evaluated: 2026-02-01. Review status: criteria provided, single submitter. Criteria: Invitae Variant Classification Sherloc (09022015). Collection method: clinical testing. Allele origin: germline.

Athena Diagnostics
Classification: Benign. Last evaluated: 2019-07-29. Review status: criteria provided, single submitter. Criteria: Athena Diagnostics Criteria. Collection method: clinical testing. Allele origin: germline.

Illumina Laboratory Services, Illumina
Classification: Benign for Charcot-Marie-Tooth disease type 1D. Last evaluated: 2018-01-13. Review status: criteria provided, single submitter. Criteria: ICSL Variant Classification Criteria 13 December 2019. Collection method: clinical testing. Allele origin: germline.
Comment: This variant was observed in the ICSL laboratory as part of a predisposition screen in an ostensibly healthy population. It had not been previously curated by ICSL or reported in the Human Gene Mutation Database (HGMD: prior to June 1st, 2018), and was therefore a candidate for classification through an automated scoring system. Utilizing variant allele frequency, disease prevalence and penetrance estimates, and inheritance mode, an automated score was calculated to assess if this variant is too frequent to cause the disease. Based on the score and internal cut-off values, a variant classified as benign is not then subjected to further curation. The score for this variant resulted in a classification of benign for this disease.

Mayo Clinic Laboratories, Mayo Clinic
Classification: Benign. Last evaluated: 2016-05-13. Review status: criteria provided, single submitter. Criteria: ACMG Guidelines, 2015. Collection method: clinical testing. Allele origin: germline. Observed: 94 variant alleles.

GeneDx
Classification: Benign. Last evaluated: 2015-03-03. Review status: criteria provided, single submitter. Criteria: GeneDx Variant Classification Process June 2021. Collection method: clinical testing. Allele origin: germline. Affected: yes.

Breakthrough Genomics
Classification: Benign. Review status: criteria provided, single submitter. Criteria: ACMG Guidelines, 2015. Collection method: not provided. Allele origin: germline. Inheritance: Autosomal recessive inheritance. Affected: yes.

Molecular Genetics Laboratory, London Health Sciences Centre
Classification: Benign for Charcot-Marie-Tooth disease. Review status: criteria provided, single submitter. Criteria: ACMG Guidelines, 2015. Collection method: clinical testing. Allele origin: germline. Affected: yes.

PreventionGenetics, part of Exact Sciences
Classification: Benign. Review status: criteria provided, single submitter. Criteria: ACMG Guidelines, 2015. Collection method: clinical testing. Allele origin: germline.

Inherited Neuropathy Consortium Ii, University Of Miami
Classification: Uncertain significance for Charcot-Marie-Tooth disease type 1D. Last evaluated: 2016-01-06. Review status: no assertion criteria provided. Collection method: literature only. Allele origin: germline. Affected: yes. Not counted in ClinVar's aggregate classification.

Inherited Neuropathy Consortium
Classification: Uncertain significance. Review status: no assertion criteria provided. Collection method: literature only. Allele origin: germline. Affected: yes. Not counted in ClinVar's aggregate classification.

Literature cited by the submitters: PubMed 10371530 (cited by Athena Diagnostics); PubMed 15241803 (cited by 3 submitters).